The following is an entry in ClinVar:

NM_000217.3(KCNA1):c.185T>C (p.Leu62Pro)

Gene: KCNA1 (potassium voltage-gated channel subfamily A member 1; plus strand). Cytogenetic location: 12p13.32.
Variant type: single nucleotide variant.
Coding change: c.185T>C on transcript NM_000217.3 (MANE Select); coding-DNA position 185, T replaced by C.
Protein change: p.Leu62Pro; replaces leucine 62 with proline.
Molecular consequence: missense variant.
Genome position (GRCh38, 1-based): chr12:4,911,563, T>C. VCF-style: chr12-4911563-T-C. GRCh37 (hg19) VCF-style: chr12-5020729-T-C.
Other names: short protein forms L62P.
Identifiers: ClinVar variation 2629765 (VCV002629765.1), dbSNP rs2497351630, ClinGen allele CA383453985.

ClinVar aggregate classification (germline): Uncertain significance (1 of 4 stars; one submission).

Conditions:
KCNA1-related disorder. Also called: KCNA1-related condition; KCNA1-related disorders.

gnomAD v4.1: 1 of 1,614,170 alleles (0.000062%); highest among the groups gnomAD compares: Non-Finnish European, 0.000085%; no homozygotes.

Submission:

PreventionGenetics, part of Exact Sciences
Classification: Uncertain significance for KCNA1-related condition. Last evaluated: 2023-01-17. Review status: criteria provided, single submitter. Criteria: ACMG Guidelines, 2015. Collection method: clinical testing. Allele origin: germline.
Comment: The KCNA1 c.185T>C variant is predicted to result in the amino acid substitution p.Leu62Pro. To our knowledge, this variant has not been reported in the literature or in a large population database, indicating this variant is rare. At this time, the clinical significance of this variant is uncertain due to the absence of conclusive functional and genetic evidence.